The following is an entry in ClinVar:

NM_001042646.3(TRAK1):c.175G>A (p.Asp59Asn)

Gene: TRAK1 (trafficking kinesin protein 1; plus strand). Cytogenetic location: 3p22.1.
Variant type: single nucleotide variant.
Coding change: c.175G>A on transcript NM_001042646.3 (MANE Select); coding-DNA position 175, G replaced by A.
Protein change: p.Asp59Asn; replaces aspartic acid 59 with asparagine.
Molecular consequence: missense variant. On other transcripts: 5 prime UTR variant (1), non-coding transcript variant (1).
Genome position (GRCh38, 1-based): chr3:42,125,503, G>A. VCF-style: chr3-42125503-G-A. GRCh37 (hg19) VCF-style: chr3-42166995-G-A.
Other names: c.175G>A, p.Asp59Asn (NM_001265608.2, NM_001349246.2, NM_001349247.2); c.-138G>A (NM_001349245.1); short protein forms D59N.
Identifiers: ClinVar variation 2052551 (VCV002052551.14), dbSNP rs201653558, ClinGen allele CA2332937.
Genomic context (GRCh38, chr3:42,125,503, plus strand): 5'-CCGGAAGTCGAGATCATTAGCCTGCTGGAGGAGCAGCTGCCCCATTATAAGTTAAGAGCC[G>A]ACACCATCTACGGTTATGACCACGACGACTGGCTCCATACACCTCTCATTTCTCCAGATG-3'
Protein context (NP_001036111.1, residues 49-69): EQLPHYKLRA[Asp59Asn]TIYGYDHDDW

ClinVar aggregate classification (germline): Benign/Likely benign. Review status: criteria provided, multiple submitters, no conflicts (2 of 4 stars). 4 submissions from 4 submitters: Benign (1); Likely benign (2). 1 of the submissions does not count toward it. Last evaluated 2025-10-08.

Conditions:
TRAK1-related disorder. Also called: TRAK1-related condition.

Allele frequency attached by ClinVar (database versions not stated): TOPMed 0.00029; 1000 Genomes Project 30x 0.00031; 1000 Genomes Project 0.00040; ESP Exome Variant Server 0.00049; gnomAD exomes 0.00062; ExAC 0.00088; gnomAD 0.00105.
gnomAD v4.1: 1,049 of 1,614,184 alleles (0.065%); highest among the groups gnomAD compares: Non-Finnish European, 0.052%; 3 homozygotes.

Submissions (4):

Labcorp Genetics (formerly Invitae), Labcorp
Classification: Benign. Last evaluated: 2025-10-08. Review status: criteria provided, single submitter. Criteria: Invitae Variant Classification Sherloc (09022015). Collection method: clinical testing. Allele origin: germline.

CeGaT Center for Human Genetics Tuebingen
Classification: Likely benign. Last evaluated: 2025-03-01. Review status: criteria provided, single submitter. Criteria: CeGaT Center For Human Genetics Tuebingen Variant Classification Criteria Version 2. Collection method: clinical testing. Allele origin: germline. Affected: yes. Observed: 1 variant allele.
Comment: TRAK1: BS1

Blueprint Genetics
Classification: Likely benign. Last evaluated: 2024-11-17. Review status: criteria provided, single submitter. Criteria: ACMG Guidelines, 2015. Collection method: clinical testing. Allele origin: germline.

PreventionGenetics, part of Exact Sciences
Classification: Likely benign for TRAK1-related condition. Last evaluated: 2019-10-03. Review status: no assertion criteria provided. Collection method: clinical testing. Allele origin: germline. Not counted in ClinVar's aggregate classification.
Comment: This variant is classified as likely benign based on ACMG/AMP sequence variant interpretation guidelines (Richards et al. 2015 PMID: 25741868, with internal and published modifications).